The following is an entry in ClinVar:

NM_001113378.2(FANCI):c.3619C>G (p.Pro1207Ala)

Gene: FANCI (FA complementation group I; plus strand). Cytogenetic location: 15q26.1.
Variant type: single nucleotide variant.
Coding change: c.3619C>G on transcript NM_001113378.2 (MANE Select); coding-DNA position 3619, C replaced by G.
Protein change: p.Pro1207Ala; replaces proline 1207 with alanine.
Molecular consequence: missense variant.
Genome position (GRCh38, 1-based): chr15:89,307,640, C>G. VCF-style: chr15-89307640-C-G. GRCh37 (hg19) VCF-style: chr15-89850871-C-G.
Other names: c.3340C>G, p.Pro1114Ala (NM_001376910.1); c.3619C>G, p.Pro1207Ala (NM_001376911.1); c.3439C>G, p.Pro1147Ala (NM_018193.3); c.3619C>G (NM_001113378.1); short protein forms P1207A, P1147A, P1114A.
Identifiers: ClinVar variation 1467072 (VCV001467072.6), dbSNP rs759758760, ClinGen allele CA7723790.

ClinVar aggregate classification (germline): Uncertain significance. Review status: criteria provided, multiple submitters, no conflicts (2 of 4 stars). 2 submissions from 2 submitters: Uncertain significance (2). Last evaluated 2025-08-11.

Conditions:
Inborn genetic diseases. Identifiers: MedGen C0950123, MeSH D030342.
Fanconi anemia (FA). Also called: Fanconi's anemia. Identifiers: Orphanet 84, MedGen C0015625, MeSH D005199, MONDO:0019391.

Allele frequency attached by ClinVar (database versions not stated): gnomAD exomes below 0.00001; ExAC 0.00001; gnomAD 0.00001; TOPMed 0.00002.
gnomAD v4.1: 5 of 1,614,000 alleles (0.00031%); highest among the groups gnomAD compares: African/African-American, 0.0067%; no homozygotes.

Submissions (2):

Ambry Genetics
Classification: Uncertain significance for Inborn genetic diseases. Last evaluated: 2025-08-11. Review status: criteria provided, single submitter. Criteria: Ambry Variant Classification Scheme 2023. Collection method: clinical testing. Allele origin: germline.

Labcorp Genetics (formerly Invitae), Labcorp
Classification: Uncertain significance for Fanconi anemia. Last evaluated: 2022-02-25. Review status: criteria provided, single submitter. Criteria: Invitae Variant Classification Sherloc (09022015). Collection method: clinical testing. Allele origin: germline.
Comment: This sequence change replaces proline, which is neutral and non-polar, with alanine, which is neutral and non-polar, at codon 1207 of the FANCI protein (p.Pro1207Ala). This variant is present in population databases (rs759758760, gnomAD 0.007%). This variant has not been reported in the literature in individuals affected with FANCI-related conditions. Algorithms developed to predict the effect of missense changes on protein structure and function are either unavailable or do not agree on the potential impact of this missense change (SIFT: "Tolerated"; PolyPhen-2: "Possibly Damaging"; Align-GVGD: "Class C0"). In summary, the available evidence is currently insufficient to determine the role of this variant in disease. Therefore, it has been classified as a Variant of Uncertain Significance.